The following is an entry in ClinVar:

ClinVar aggregate classification (germline): Uncertain significance (1 of 4 stars; one submission).

Conditions:
Familial adenomatous polyposis 1 (FAP1). Also called: FAMILIAL ADENOMATOUS POLYPOSIS 1, ATTENUATED; POLYPOSIS, ADENOMATOUS INTESTINAL. Identifiers: MedGen C2713442, MONDO:0021056, OMIM 175100. Disease mechanism: loss of function.

Submission:

Labcorp Genetics (formerly Invitae), Labcorp
Classification: Uncertain significance for Familial adenomatous polyposis 1. Last evaluated: 2020-02-03. Review status: criteria provided, single submitter. Criteria: Invitae Variant Classification Sherloc (09022015). Collection method: clinical testing. Allele origin: germline.
Comment: In summary, the available evidence is currently insufficient to determine the role of this variant in disease. Therefore, it has been classified as a Variant of Uncertain Significance. Algorithms developed to predict the effect of missense changes on protein structure and function (SIFT, PolyPhen-2, Align-GVGD) all suggest that this variant is likely to be tolerated, but these predictions have not been confirmed by published functional studies and their clinical significance is uncertain. This variant has not been reported in the literature in individuals with APC-related conditions. This variant is not present in population databases (ExAC no frequency). This sequence change replaces serine with alanine at codon 1937 of the APC protein (p.Ser1937Ala). The serine residue is highly conserved and there is a moderate physicochemical difference between serine and alanine.

NM_000038.6(APC):c.5809T>G (p.Ser1937Ala)

Gene: APC (APC regulator of Wnt signaling pathway; plus strand). Cytogenetic location: 5q22.2.
Variant type: single nucleotide variant.
Coding change: c.5809T>G on transcript NM_000038.6 (MANE Select); coding-DNA position 5809, T replaced by G.
Protein change: p.Ser1937Ala; replaces serine 1937 with alanine.
Molecular consequence: missense variant.
Genome position (GRCh38, 1-based): chr5:112,841,403, T>G. VCF-style: chr5-112841403-T-G. GRCh37 (hg19) VCF-style: chr5-112177100-T-G.
Other names: c.5809T>G, p.Ser1937Ala (NM_001127510.3, NM_001354895.2); c.5755T>G, p.Ser1919Ala (NM_001127511.3); c.5863T>G, p.Ser1955Ala (NM_001354896.2); c.5839T>G, p.Ser1947Ala (NM_001354897.2); c.5734T>G, p.Ser1912Ala (NM_001354898.2); c.5725T>G, p.Ser1909Ala (NM_001354899.2); c.5686T>G, p.Ser1896Ala (NM_001354900.2); c.5632T>G, p.Ser1878Ala (NM_001354901.2); and 5 more; short protein forms S1654A, S1777A, S1811A, S1836A, S1846A, S1878A, S1896A, S1909A.
Identifiers: ClinVar variation 1057198 (VCV001057198.48), dbSNP rs2149949785, ClinGen allele CA16034040.